The following is an entry in ClinVar:

ClinVar aggregate classification (germline): Likely pathogenic. Review status: criteria provided, single submitter (1 of 4 stars). 2 submissions from 2 submitters: Likely pathogenic (1). 1 of the submissions does not count toward it. Last evaluated 2024-07-04.

Conditions:
CDKL5 disorder. Identifiers: MedGen CN296942, MONDO:0100039.
Atypical Rett syndrome. Also called: Rett like syndrome; Variant Rett Syndrome. Identifiers: Orphanet 3095, MedGen C2748910, MONDO:0017746.

Submissions (2):

Centre for Population Genomics, CPG
Classification: Likely pathogenic for CDKL5 disorder. Last evaluated: 2024-07-04. Review status: criteria provided, single submitter. Criteria: McKnight et al. (Hum Mutat. 2022). Collection method: curation. Allele origin: germline. Inheritance: X-linked inheritance.
Comment: This variant has been collected from RettBASE and curated to current modified ACMG/AMP criteria. Based on the classification scheme defined by the ClinGen Rett/Angelman-like Expert Panel for Rett/AS-like Disorders Specifications to the ACMG/AMP Variant Interpretation Guidelines VCEP 3.0, this variant is classified as likely pathogenic. At least the following criteria are met: Predicted to result in loss of function, and LOF is a known mechanism of disease (PVS1). This variant is absent from gnomAD (PM2_Supporting).

RettBASE
Classification: Pathogenic for Atypical Rett syndrome. Last evaluated: 2014-03-13. Review status: no assertion criteria provided. Collection method: curation. Allele origin: de novo. Affected: yes. Observed: 1 variant allele. Not counted in ClinVar's aggregate classification.

Literature cited by the submitters: PubMed 22867051 (cited by RettBASE).

NM_001323289.2(CDKL5):c.510_511dup (p.Tyr171fs)

Gene: CDKL5 (cyclin dependent kinase like 5; plus strand). Cytogenetic location: Xp22.13.
Variant type: Duplication.
Coding change: c.510_511dup on transcript NM_001323289.2 (MANE Select); coding-DNA positions 510 to 511, 2 bases duplicated (GT; older notation c.510_511dupGT).
Protein change: p.Tyr171fs; shifts the reading frame from tyrosine 171.
Molecular consequence: frameshift variant.
Genome position (GRCh38, 1-based): chrX:18,584,309-18,584,310, GT duplicated. VCF-style (leftmost placement, unchanged base first): chrX-18584308-A-AGT. GRCh37 (hg19) VCF-style: chrX-18602428-A-AGT.
Other names: NM_001323289.2(CDKL5):c.510_511dup; p.Tyr171fs; c.510_511dup, p.Tyr171fs (NM_001037343.2, NM_003159.3); short protein forms Y171fs.
Identifiers: ClinVar variation 189593 (VCV000189593.3), dbSNP rs786204988, ClinGen allele CA199408.